The following is an entry in ClinVar:

NM_007186.6(CEP250):c.4514_4515del (p.Val1505fs)

Gene: CEP250 (centrosomal protein 250; plus strand). Cytogenetic location: 20q11.22.
Variant type: Microsatellite.
Coding change: c.4514_4515del on transcript NM_007186.6 (MANE Select); coding-DNA positions 4514 to 4515, 2 bases deleted (TG; older notation c.4514_4515delTG).
Protein change: p.Val1505fs; shifts the reading frame from valine 1505.
Molecular consequence: frameshift variant.
Genome position (GRCh38, 1-based): chr20:35,502,883-35,502,884, TG deleted; deleting any 2 consecutive bases within chr20:35,502,881-35,502,884 gives the same sequence; the c. name uses the placement nearest the transcript's 3' end. VCF-style (leftmost placement, unchanged base first): chr20-35502880-CTG-C. GRCh37 (hg19) VCF-style: chr20-34090708-CTG-C.
Other names: c.2618_2619del, p.Val873fs (NM_001318219.1); short protein forms V873fs, V1505fs.
Identifiers: ClinVar variation 2797746 (VCV002797746.3), dbSNP rs2516235312, ClinGen allele CA2739277149.

ClinVar aggregate classification (germline): Pathogenic (1 of 4 stars; one submission).

Submission:

Labcorp Genetics (formerly Invitae), Labcorp
Classification: Pathogenic. Last evaluated: 2022-11-01. Review status: criteria provided, single submitter. Criteria: Invitae Variant Classification Sherloc (09022015). Collection method: clinical testing. Allele origin: germline.
Comment: For these reasons, this variant has been classified as Pathogenic. This variant has not been reported in the literature in individuals affected with CEP250-related conditions. This variant is not present in population databases (gnomAD no frequency). This sequence change creates a premature translational stop signal (p.Val1505Alafs*27) in the CEP250 gene. It is expected to result in an absent or disrupted protein product. Loss-of-function variants in CEP250 are known to be pathogenic (PMID: 24780881, 29718797).

Literature cited by the submitters: PubMed 24780881; PubMed 29718797.